The following is an entry in ClinVar:

ClinVar aggregate classification (germline): Likely benign (0 of 4 stars; one submission).

Conditions:
MVB12B-related disorder. Also called: MVB12B-related condition.

Allele frequency attached by ClinVar (database versions not stated): ExAC 0.00013; gnomAD 0.00054; 1000 Genomes Project 0.00060; TOPMed 0.00060; ESP Exome Variant Server 0.00077; 1000 Genomes Project 30x 0.00125.
gnomAD v4.1: 141 of 1,614,046 alleles (0.0087%); highest among the groups gnomAD compares: African/African-American, 0.15%; no homozygotes.

Submission:

PreventionGenetics, part of Exact Sciences
Classification: Likely benign for MVB12B-related condition. Last evaluated: 2019-09-10. Review status: no assertion criteria provided. Collection method: clinical testing. Allele origin: germline.
Comment: This variant is classified as likely benign based on ACMG/AMP sequence variant interpretation guidelines (Richards et al. 2015 PMID: 25741868, with internal and published modifications).

NM_033446.3(MVB12B):c.814-10G>A

Gene: MVB12B (multivesicular body subunit 12B; plus strand). Cytogenetic location: 9q33.3.
Variant type: single nucleotide variant.
Coding change: c.814-10G>A on transcript NM_033446.3 (MANE Select); 10 bases into the intron before coding-DNA position 814, G replaced by A.
Molecular consequence: intron variant.
Genome position (GRCh38, 1-based): chr9:126,483,963, G>A. VCF-style: chr9-126483963-G-A. GRCh37 (hg19) VCF-style: chr9-129246242-G-A.
Identifiers: ClinVar variation 3040728 (VCV003040728.2), dbSNP rs376929504, ClinGen allele CA5242134.